The following is an entry in ClinVar:

NM_000496.3(CRYBB2):c.487C>T (p.Gln163Ter)

Gene: CRYBB2 (crystallin beta B2; plus strand). Cytogenetic location: 22q11.23.
Variant type: single nucleotide variant.
Coding change: c.487C>T on transcript NM_000496.3 (MANE Select); coding-DNA position 487, C replaced by T.
Protein change: p.Gln163Ter; replaces glutamine 163 with a stop codon.
Molecular consequence: nonsense.
Genome position (GRCh38, 1-based): chr22:25,231,641, C>T. VCF-style: chr22-25231641-C-T. GRCh37 (hg19) VCF-style: chr22-25627608-C-T.
Other names: short protein forms Q163*.
Identifiers: ClinVar variation 4997958 (VCV004997958.1).

ClinVar aggregate classification (germline): Pathogenic (1 of 4 stars; one submission).

Conditions:
CRYBB2-related disorder. Also called: CRYBB2-related condition.

Submission:

PreventionGenetics, part of Exact Sciences
Classification: Pathogenic for CRYBB2-related condition. Last evaluated: 2025-03-14. Review status: criteria provided, single submitter. Criteria: ACMG Guidelines, 2015. Collection method: clinical testing. Allele origin: germline.
Comment: The CRYBB2 c.487C>T variant is predicted to result in premature protein termination (p.Gln163*). This variant was reported in multiple individuals with congenital cataracts and de novo occurrences have been reported in some individuals (Supplementary Table 1 in Sun et al. 2018. PubMed ID: 30076350; Fan et al. 2020. PubMed ID: 32883240; Kessel et al. 2021. PubMed ID: 34169787; Li et al. 2023. PubMed ID: 36729443). This variant has not been reported in a large population database (gnomAD), indicating this variant is rare. Nonsense variants in CRYBB2 are expected to be pathogenic. This variant is interpreted as pathogenic.